The following is an entry in ClinVar:

ClinVar aggregate classification (germline): Uncertain significance (1 of 4 stars; one submission).

Submission:

Labcorp Genetics (formerly Invitae), Labcorp
Classification: Uncertain significance. Last evaluated: 2021-12-05. Review status: criteria provided, single submitter. Criteria: Invitae Variant Classification Sherloc (09022015). Collection method: clinical testing. Allele origin: germline.
Comment: Algorithms developed to predict the effect of missense changes on protein structure and function are either unavailable or do not agree on the potential impact of this missense change (SIFT: "Tolerated"; PolyPhen-2: "Probably Damaging"; Align-GVGD: "Class C0"). This sequence change replaces alanine, which is neutral and non-polar, with valine, which is neutral and non-polar, at codon 1577 of the TUBGCP6 protein (p.Ala1577Val). This variant is not present in population databases (gnomAD no frequency). This variant has not been reported in the literature in individuals affected with TUBGCP6-related conditions. In summary, the available evidence is currently insufficient to determine the role of this variant in disease. Therefore, it has been classified as a Variant of Uncertain Significance.

NM_020461.4(TUBGCP6):c.4730C>T (p.Ala1577Val)

Gene: TUBGCP6 (tubulin gamma complex component 6; minus strand). Cytogenetic location: 22q13.33.
Variant type: single nucleotide variant.
Coding change: c.4730C>T on transcript NM_020461.4 (MANE Select); coding-DNA position 4730, C replaced by T.
Protein change: p.Ala1577Val; replaces alanine 1577 with valine.
Molecular consequence: missense variant.
Genome position (GRCh38, 1-based): chr22:50,218,794, G>A on the plus strand (C>T on the coding strand, the complement: TUBGCP6 is on the minus strand). VCF-style: chr22-50218794-G-A. GRCh37 (hg19) VCF-style: chr22-50657223-G-A.
Other names: short protein forms A1577V.
Identifiers: ClinVar variation 2033582 (VCV002033582.4), dbSNP rs2519123247, ClinGen allele CA412168616.